The following is an entry in ClinVar:

ClinVar aggregate classification (germline): Conflicting classifications of pathogenicity. Review status: criteria provided, conflicting classifications (1 of 4 stars). 4 submissions from 4 submitters: Uncertain significance (3); Likely benign (1). Last evaluated 2025-10-16.

Conditions:
NPHP3-related disorder. Also called: NPHP3-related disorders; NPHP3-related condition. Identifiers: MedGen CN379163.
Nephronophthisis. Also called: Juvenile Nephronophthisis. Identifiers: Orphanet 655, MedGen C0687120, MONDO:0019005, HP:0000090.
NPHP3-related Meckel-like syndrome. Also called: GOLDSTON SYNDROME; Meckel syndrome type 7. Identifiers: Orphanet 3032, MedGen C2673885, MONDO:0009966, OMIM 267010.
Renal-hepatic-pancreatic dysplasia 1 (RHPD1). Identifiers: MedGen C3715199, MONDO:0008833, OMIM 208540.
Nephronophthisis 3 (NPHP3). Also called: Adolescent nephronophthisis. Identifiers: Orphanet 655, MedGen C1858392, MONDO:0011456, OMIM 604387.

Allele frequency attached by ClinVar (database versions not stated): gnomAD exomes 0.00001 and 0.00004; ExAC 0.00003; gnomAD 0.00013 and 0.00014; TOPMed 0.00014.
gnomAD v4.1: 38 of 1,613,866 alleles (0.0024%); highest among the groups gnomAD compares: African/African-American, 0.043%; no homozygotes.

Submissions (4):

Labcorp Genetics (formerly Invitae), Labcorp
Classification: Likely benign for Nephronophthisis. Last evaluated: 2025-10-16. Review status: criteria provided, single submitter. Criteria: Invitae Variant Classification Sherloc (09022015). Collection method: clinical testing. Allele origin: germline.

Fulgent Genetics
Classification: Uncertain significance for Renal-hepatic-pancreatic dysplasia 1; NPHP3-related Meckel-like syndrome; Nephronophthisis 3. Last evaluated: 2024-03-07. Review status: criteria provided, single submitter. Criteria: ACMG Guidelines, 2015. Collection method: clinical testing. Allele origin: germline.

PreventionGenetics, part of Exact Sciences
Classification: Uncertain significance for NPHP3-related condition. Last evaluated: 2023-09-27. Review status: criteria provided, single submitter. Criteria: ACMG Guidelines, 2015. Collection method: clinical testing. Allele origin: germline.
Comment: The NPHP3 c.1183T>G variant is predicted to result in the amino acid substitution p.Phe395Val. To our knowledge, this variant has not been reported in the literature. This variant is reported in 0.044% of alleles in individuals of African descent in gnomAD. At this time, the clinical significance of this variant is uncertain due to the absence of conclusive functional and genetic evidence.

Eurofins Ntd Llc (ga)
Classification: Uncertain significance. Last evaluated: 2018-02-28. Review status: criteria provided, single submitter. Criteria: EGL ClinVar v180209 classification definitions. Collection method: clinical testing. Allele origin: germline. Observed: 2 variant alleles, 2 heterozygotes.

NM_153240.5(NPHP3):c.1183T>G (p.Phe395Val)

Genes: NPHP3 (nephrocystin 3; minus strand), NPHP3-ACAD11 (NPHP3-ACAD11 readthrough (NMD candidate); minus strand). Cytogenetic location: 3q22.1.
Variant type: single nucleotide variant.
Coding change: c.1183T>G on transcript NM_153240.5 (MANE Select); coding-DNA position 1183, T replaced by G.
Protein change: p.Phe395Val; replaces phenylalanine 395 with valine.
Molecular consequence: missense variant. On other transcripts: non-coding transcript variant (1).
Genome position (GRCh38, 1-based): chr3:132,708,193, A>C on the plus strand (T>G on the coding strand, the complement: NPHP3 is on the minus strand). VCF-style: chr3-132708193-A-C. GRCh37 (hg19) VCF-style: chr3-132427037-A-C.
Other names: short protein forms F395V.
Identifiers: ClinVar variation 288979 (VCV000288979.14), dbSNP rs764000635, ClinGen allele CA2622376.